The following is an entry in ClinVar:

NM_001018113.3(FANCB):c.2159A>G (p.Tyr720Cys)

Gene: FANCB (FA complementation group B; minus strand). Cytogenetic location: Xp22.2.
Variant type: single nucleotide variant.
Coding change: c.2159A>G on transcript NM_001018113.3 (MANE Select); coding-DNA position 2159, A replaced by G.
Protein change: p.Tyr720Cys; replaces tyrosine 720 with cysteine.
Molecular consequence: missense variant.
Genome position (GRCh38, 1-based): chrX:14,844,509, T>C on the plus strand (A>G on the coding strand, the complement: FANCB is on the minus strand). VCF-style: chrX-14844509-T-C. GRCh37 (hg19) VCF-style: chrX-14862631-T-C.
Other names: c.2159A>G, p.Tyr720Cys (NM_001324162.2, NM_152633.4); short protein forms Y720C.
Identifiers: ClinVar variation 1023841 (VCV001023841.9), dbSNP rs758926056, ClinGen allele CA10352961.

ClinVar aggregate classification (germline): Uncertain significance. Review status: criteria provided, multiple submitters, no conflicts (2 of 4 stars). 2 submissions from 2 submitters: Uncertain significance (2). Last evaluated 2025-02-25.

Conditions:
Fanconi anemia (FA). Also called: Fanconi's anemia. Identifiers: Orphanet 84, MedGen C0015625, MeSH D005199, MONDO:0019391.

Allele frequency attached by ClinVar (database versions not stated): gnomAD exomes below 0.00001 and 0.00001; ExAC 0.00001.
gnomAD v4.1: 5 of 1,176,022 alleles (0.00043%); highest among the groups gnomAD compares: Non-Finnish European, 0.00058%; no homozygotes.

Submissions (2):

Labcorp Genetics (formerly Invitae), Labcorp
Classification: Uncertain significance for Fanconi anemia. Last evaluated: 2025-02-25. Review status: criteria provided, single submitter. Criteria: Invitae Variant Classification Sherloc (09022015). Collection method: clinical testing. Allele origin: germline.
Comment: This sequence change replaces tyrosine, which is neutral and polar, with cysteine, which is neutral and slightly polar, at codon 720 of the FANCB protein (p.Tyr720Cys). This variant is present in population databases (rs758926056, gnomAD 0.001%), including at least one homozygous and/or hemizygous individual. This variant has not been reported in the literature in individuals affected with FANCB-related conditions. ClinVar contains an entry for this variant (Variation ID: 1023841). Invitae Evidence Modeling of protein sequence and biophysical properties (such as structural, functional, and spatial information, amino acid conservation, physicochemical variation, residue mobility, and thermodynamic stability) indicates that this missense variant is expected to disrupt FANCB protein function with a positive predictive value of 80%. In summary, the available evidence is currently insufficient to determine the role of this variant in disease. Therefore, it has been classified as a Variant of Uncertain Significance.

Breakthrough Genomics
Classification: Uncertain significance. Review status: criteria provided, single submitter. Criteria: ACMG Guidelines, 2015. Collection method: not provided. Allele origin: germline. Inheritance: X-linked recessive inheritance. Affected: yes.